The following is an entry in ClinVar:

NM_144997.7(FLCN):c.1466C>G (p.Ala489Gly)

Gene: FLCN (folliculin; minus strand). Cytogenetic location: 17p11.2.
Variant type: single nucleotide variant.
Coding change: c.1466C>G on transcript NM_144997.7 (MANE Select); coding-DNA position 1466, C replaced by G.
Protein change: p.Ala489Gly; replaces alanine 489 with glycine.
Molecular consequence: missense variant.
Genome position (GRCh38, 1-based): chr17:17,215,057, G>C on the plus strand (C>G on the coding strand, the complement: FLCN is on the minus strand). VCF-style: chr17-17215057-G-C. GRCh37 (hg19) VCF-style: chr17-17118371-G-C.
Other names: c.1520C>G, p.Ala507Gly (NM_001353229.2); c.1466C>G, p.Ala489Gly (NM_001353230.2, NM_001353231.2); short protein forms A489G, A507G.
Identifiers: ClinVar variation 1935685 (VCV001935685.6), dbSNP rs2144832967, ClinGen allele CA398530947.
Genomic context (GRCh38, chr17:17,215,057, plus strand): 5'-TCCTTGAGGCAGACGAGGCACTGGTCCACCACATCCACAGACAGGTTCTGGTTGGTCAGA[G>C]CCGCTTCAATCTTATTCAGGATGGTGGGGCCCACTGGGGAGAAGGGCAGGGGCAGAGCAA-3'
Protein context (NP_659434.2, residues 479-499): GPTILNKIEA[Ala489Gly]LTNQNLSVDV

ClinVar aggregate classification (germline): Uncertain significance. Review status: criteria provided, multiple submitters, no conflicts (2 of 4 stars). 2 submissions from 2 submitters: Uncertain significance (2). Last evaluated 2023-10-25.

Conditions:
Birt-Hogg-Dube syndrome. Also called: Birt Hogg Dubé syndrome. Identifiers: Orphanet 122, MedGen C0346010, MONDO:0800444.
Hereditary cancer-predisposing syndrome. Also called: Neoplastic Syndromes, Hereditary; Hereditary neoplastic syndrome; Tumor predisposition; Hereditary Cancer Syndrome. Identifiers: Orphanet 140162, MedGen C0027672, MeSH D009386, MONDO:0015356.

Submissions (2):

Ambry Genetics
Classification: Uncertain significance for Hereditary cancer-predisposing syndrome. Last evaluated: 2023-10-25. Review status: criteria provided, single submitter. Criteria: Ambry Variant Classification Scheme 2023. Collection method: clinical testing. Allele origin: germline.
Comment: The p.A489G variant (also known as c.1466C>G), located in coding exon 10 of the FLCN gene, results from a C to G substitution at nucleotide position 1466. The alanine at codon 489 is replaced by glycine, an amino acid with similar properties. This amino acid position is conserved. In addition, this alteration is predicted to be deleterious by in silico analysis. Since supporting evidence is limited at this time, the clinical significance of this alteration remains unclear.

Labcorp Genetics (formerly Invitae), Labcorp
Classification: Uncertain significance for Birt-Hogg-Dube syndrome. Last evaluated: 2022-08-10. Review status: criteria provided, single submitter. Criteria: Invitae Variant Classification Sherloc (09022015). Collection method: clinical testing. Allele origin: germline.
Comment: In summary, the available evidence is currently insufficient to determine the role of this variant in disease. Therefore, it has been classified as a Variant of Uncertain Significance. Algorithms developed to predict the effect of sequence changes on RNA splicing suggest that this variant may create or strengthen a splice site. Algorithms developed to predict the effect of missense changes on protein structure and function are either unavailable or do not agree on the potential impact of this missense change (SIFT: "Tolerated"; PolyPhen-2: "Possibly Damaging"; Align-GVGD: "Class C0"). This variant has not been reported in the literature in individuals affected with FLCN-related conditions. This variant is not present in population databases (gnomAD no frequency). This sequence change replaces alanine, which is neutral and non-polar, with glycine, which is neutral and non-polar, at codon 489 of the FLCN protein (p.Ala489Gly).